The following is an entry in ClinVar:

ClinVar aggregate classification (germline): Pathogenic. Review status: criteria provided, multiple submitters, no conflicts (2 of 4 stars). 4 submissions from 4 submitters: Pathogenic (4). Last evaluated 2025-05-01.

Conditions:
CDC73-related disorder. Also called: CDC73-related condition; CDC73-related disorders. Identifiers: MedGen CN169292.
Hereditary cancer-predisposing syndrome. Also called: Hereditary Cancer Syndrome; Tumor predisposition; Neoplastic Syndromes, Hereditary; Hereditary neoplastic syndrome. Identifiers: Orphanet 140162, MedGen C0027672, MeSH D009386, MONDO:0015356.
Parathyroid carcinoma (PRTC). Also called: Parathyroid gland carcinoma; CDC73-Related Parathyroid Carcinoma. Identifiers: Orphanet 143, MedGen C0687150, MONDO:0012004, OMIM 608266, HP:0006780.

Allele frequency attached by ClinVar (database versions not stated): gnomAD exomes below 0.00001.
gnomAD v4.1: 1 of 1,613,212 alleles (0.000062%); highest among the groups gnomAD compares: Non-Finnish European, 0.000085%; no homozygotes.

Submissions (4):

Labcorp Genetics (formerly Invitae), Labcorp
Classification: Pathogenic for Parathyroid carcinoma. Last evaluated: 2025-05-01. Review status: criteria provided, single submitter. Criteria: Invitae Variant Classification Sherloc (09022015). Collection method: clinical testing. Allele origin: germline.
Comment: This sequence change creates a premature translational stop signal (p.Arg234*) in the CDC73 gene. It is expected to result in an absent or disrupted protein product. Loss-of-function variants in CDC73 are known to be pathogenic (PMID: 12434154). This variant is not present in population databases (gnomAD no frequency). This premature translational stop signal has been observed in individual(s) with hyperparathyroidism and parathyroid cancer (PMID: 15531515, 23293331). ClinVar contains an entry for this variant (Variation ID: 988553). For these reasons, this variant has been classified as Pathogenic.

Ambry Genetics
Classification: Pathogenic for Hereditary cancer-predisposing syndrome. Last evaluated: 2024-04-11. Review status: criteria provided, single submitter. Criteria: Ambry Variant Classification Scheme 2023. Collection method: clinical testing. Allele origin: germline.
Comment: The p.R234* pathogenic mutation (also known as c.700C>T), located in coding exon 7 of the CDC73 gene, results from a C to T substitution at nucleotide position 700. This changes the amino acid from an arginine to a stop codon within coding exon 7. This alteration was identified in an individual diagnosed with parathyroid hyperplasia and jaw tumors (Bradley KJ et al. Clin Endocrinol (Oxf), 2006 Mar;64:299-306). This alteration was also identified in an individual diagnosed with hyperparathyroidism (Bricaire L et al. J Clin Endocrinol Metab, 2013 Feb;98:E403-8). This variant is considered to be rare based on population cohorts in the Genome Aggregation Database (gnomAD). This alteration is expected to result in loss of function by premature protein truncation or nonsense-mediated mRNA decay. As such, this alteration is interpreted as a disease-causing mutation.

Blueprint Genetics
Classification: Pathogenic for CDC73-related disorders. Last evaluated: 2023-11-30. Review status: criteria provided, single submitter. Criteria: ACMG Guidelines, 2015. Collection method: clinical testing. Allele origin: germline. Affected: yes. Observed: 1 variant allele.

Clinical Genetics and Genomics, Karolinska University Hospital
Classification: Pathogenic. Last evaluated: 2017-12-13. Review status: criteria provided, single submitter. Criteria: ACMG Guidelines, 2015. Collection method: clinical testing. Allele origin: germline. Affected: yes. Observed: 2 variant alleles.

Literature cited by the submitters: PubMed 12434154 (cited by Labcorp Genetics (formerly Invitae), Labcorp); PubMed 15531515 (cited by Labcorp Genetics (formerly Invitae), Labcorp); PubMed 23293331 (cited by Labcorp Genetics (formerly Invitae), Labcorp and Ambry Genetics); PubMed 16487440 (cited by Ambry Genetics).

NM_024529.5(CDC73):c.700C>T (p.Arg234Ter)

Gene: CDC73 (cell division cycle 73; plus strand). Cytogenetic location: 1q31.2.
Variant type: single nucleotide variant.
Coding change: c.700C>T on transcript NM_024529.5 (MANE Select); coding-DNA position 700, C replaced by T.
Protein change: p.Arg234Ter; replaces arginine 234 with a stop codon.
Molecular consequence: nonsense.
Genome position (GRCh38, 1-based): chr1:193,142,037, C>T. VCF-style: chr1-193142037-C-T. GRCh37 (hg19) VCF-style: chr1-193111167-C-T.
Other names: c.700C>T (NM_024529.4); short protein forms R234*.
Identifiers: ClinVar variation 988553 (VCV000988553.11), dbSNP rs1675915231, ClinGen allele CA343962795.